The following is an entry in ClinVar:

ClinVar aggregate classification (germline): Uncertain significance (1 of 4 stars; one submission).

Conditions:
Myofibrillar myopathy 4. Also called: Zaspopathy (type). Identifiers: Orphanet 98912, MedGen C4721886, MONDO:0012277, OMIM 609452.

Submission:

Labcorp Genetics (formerly Invitae), Labcorp
Classification: Uncertain significance for Myofibrillar myopathy 4. Last evaluated: 2022-10-30. Review status: criteria provided, single submitter. Criteria: Invitae Variant Classification Sherloc (09022015). Collection method: clinical testing. Allele origin: germline.
Comment: In summary, the available evidence is currently insufficient to determine the role of this variant in disease. Therefore, it has been classified as a Variant of Uncertain Significance. Algorithms developed to predict the effect of missense changes on protein structure and function are either unavailable or do not agree on the potential impact of this missense change (SIFT: "Deleterious"; PolyPhen-2: "Benign"; Align-GVGD: "Class C0"). This variant has not been reported in the literature in individuals affected with LDB3-related conditions. This variant is not present in population databases (gnomAD no frequency). This sequence change replaces aspartic acid, which is acidic and polar, with glycine, which is neutral and non-polar, at codon 164 of the LDB3 protein (p.Asp164Gly).

NM_001368067.1(LDB3):c.491A>G (p.Asp164Gly)

Genes: LDB3 (LIM domain binding 3; plus strand), LOC110121486 (VISTA enhancer hs2143; plus strand). Cytogenetic location: 10q23.2.
Variant type: single nucleotide variant.
Coding change: c.491A>G on transcript NM_001368067.1 (MANE Plus Clinical); coding-DNA position 491, A replaced by G.
Protein change: p.Asp164Gly; replaces aspartic acid 164 with glycine.
Molecular consequence: missense variant. On other transcripts: intron variant (5).
Genome position (GRCh38, 1-based): chr10:86,687,215, A>G. VCF-style: chr10-86687215-A-G. GRCh37 (hg19) VCF-style: chr10-88446972-A-G.
Other names: c.491A>G, p.Asp164Gly (NM_001080114.2, NM_001080116.1, NM_001368066.1 and 1 more transcripts); c.836A>G, p.Asp279Gly (NM_001171610.2, NM_001171611.2); c.690-4681A>G (NM_001368064.1, NM_001368063.1, NM_007078.3 and 2 more transcripts); short protein forms D164G, D279G.
Identifiers: ClinVar variation 2997665 (VCV002997665.3), dbSNP rs2492640884, ClinGen allele CA377441833.
Genomic context (GRCh38, chr10:86,687,215, plus strand): 5'-GCGGCAAGGCCACCATCATCCATGCGCAGTACAACACGCCCATCAGCATGTATTCCCAGG[A>G]TGCCATCATGGATGCCATCGCTGGGCAGGCCCAAGCCCAAGGCAGTGACTTCAGTGGGTA-3'
Protein context (NP_001354996.1, residues 154-174): YNTPISMYSQ[Asp164Gly]AIMDAIAGQA